The following is an entry in ClinVar:

NM_000836.4(GRIN2D):c.3217G>A (p.Gly1073Arg)

Gene: GRIN2D (glutamate ionotropic receptor NMDA type subunit 2D; plus strand). Cytogenetic location: 19q13.33.
Variant type: single nucleotide variant.
Coding change: c.3217G>A on transcript NM_000836.4 (MANE Select); coding-DNA position 3217, G replaced by A.
Protein change: p.Gly1073Arg; replaces glycine 1073 with arginine.
Molecular consequence: missense variant.
Genome position (GRCh38, 1-based): chr19:48,443,143, G>A. VCF-style: chr19-48443143-G-A. GRCh37 (hg19) VCF-style: chr19-48946400-G-A.
Other names: short protein forms G1073R.
Identifiers: ClinVar variation 3613432 (VCV003613432.2).

ClinVar aggregate classification (germline): Uncertain significance (1 of 4 stars; one submission).

Submission:

Labcorp Genetics (formerly Invitae), Labcorp
Classification: Uncertain significance. Last evaluated: 2024-11-16. Review status: criteria provided, single submitter. Criteria: Invitae Variant Classification Sherloc (09022015). Collection method: clinical testing. Allele origin: germline.
Comment: This sequence change replaces glycine, which is neutral and non-polar, with arginine, which is basic and polar, at codon 1073 of the GRIN2D protein (p.Gly1073Arg). The frequency data for this variant in the population databases is considered unreliable, as metrics indicate insufficient coverage at this position in the gnomAD database. This variant has not been reported in the literature in individuals affected with GRIN2D-related conditions. Invitae Evidence Modeling of protein sequence and biophysical properties (such as structural, functional, and spatial information, amino acid conservation, physicochemical variation, residue mobility, and thermodynamic stability) indicates that this missense variant is not expected to disrupt GRIN2D protein function with a negative predictive value of 95%. In summary, the available evidence is currently insufficient to determine the role of this variant in disease. Therefore, it has been classified as a Variant of Uncertain Significance.